The following is an entry in ClinVar:

NM_001692.4(ATP6V1B1):c.394C>T (p.Pro132Ser)

Gene: ATP6V1B1 (ATPase H+ transporting V1 subunit B1; plus strand). Cytogenetic location: 2p13.3.
Variant type: single nucleotide variant.
Coding change: c.394C>T on transcript NM_001692.4 (MANE Select); coding-DNA position 394, C replaced by T.
Protein change: p.Pro132Ser; replaces proline 132 with serine.
Molecular consequence: missense variant.
Genome position (GRCh38, 1-based): chr2:70,959,044, C>T. VCF-style: chr2-70959044-C-T. GRCh37 (hg19) VCF-style: chr2-71186174-C-T.
Other names: short protein forms P132S.
Identifiers: ClinVar variation 4082641 (VCV004082641.1).

ClinVar aggregate classification (germline): Uncertain significance (1 of 4 stars; one submission).

Submission:

GeneDx
Classification: Uncertain significance. Last evaluated: 2025-03-04. Review status: criteria provided, single submitter. Criteria: GeneDx Variant Classification Process June 2021. Collection method: clinical testing. Allele origin: germline. Affected: yes.
Comment: Not observed at significant frequency in large population cohorts (gnomAD); In silico analysis supports that this missense variant has a deleterious effect on protein structure/function; Has not been previously published as pathogenic or benign to our knowledge